The following is an entry in ClinVar:

NM_017617.5(NOTCH1):c.5467T>C (p.Phe1823Leu)

Gene: NOTCH1 (notch receptor 1; minus strand). Cytogenetic location: 9q34.3.
Variant type: single nucleotide variant.
Coding change: c.5467T>C on transcript NM_017617.5 (MANE Select); coding-DNA position 5467, T replaced by C.
Protein change: p.Phe1823Leu; replaces phenylalanine 1823 with leucine.
Molecular consequence: missense variant.
Genome position (GRCh38, 1-based): chr9:136,502,006, A>G on the plus strand (T>C on the coding strand, the complement: NOTCH1 is on the minus strand). VCF-style: chr9-136502006-A-G. GRCh37 (hg19) VCF-style: chr9-139396458-A-G.
Other names: short protein forms F1823L.
Identifiers: ClinVar variation 4797610 (VCV004797610.1).

ClinVar aggregate classification (germline): Uncertain significance (1 of 4 stars; one submission).

Conditions:
Adams-Oliver syndrome 5 (AOS5). Identifiers: Orphanet 974, MedGen C4014970, MONDO:0014459, OMIM 616028.

Submission:

Labcorp Genetics (formerly Invitae), Labcorp
Classification: Uncertain significance for Adams-Oliver syndrome 5. Last evaluated: 2025-04-13. Review status: criteria provided, single submitter. Criteria: Invitae Variant Classification Sherloc (09022015). Collection method: clinical testing. Allele origin: germline.
Comment: This sequence change replaces phenylalanine, which is neutral and non-polar, with leucine, which is neutral and non-polar, at codon 1823 of the NOTCH1 protein (p.Phe1823Leu). This variant is not present in population databases (gnomAD no frequency). This variant has not been reported in the literature in individuals affected with NOTCH1-related conditions. Invitae Evidence Modeling of protein sequence and biophysical properties (such as structural, functional, and spatial information, amino acid conservation, physicochemical variation, residue mobility, and thermodynamic stability) indicates that this missense variant is not expected to disrupt NOTCH1 protein function with a negative predictive value of 95%. In summary, the available evidence is currently insufficient to determine the role of this variant in disease. Therefore, it has been classified as a Variant of Uncertain Significance.